The following is an entry in ClinVar:

ClinVar aggregate classification (germline): Uncertain significance (1 of 4 stars; one submission).

Submission:

Labcorp Genetics (formerly Invitae), Labcorp
Classification: Uncertain significance. Last evaluated: 2023-10-03. Review status: criteria provided, single submitter. Criteria: Invitae Variant Classification Sherloc (09022015). Collection method: clinical testing. Allele origin: germline.
Comment: This sequence change replaces isoleucine, which is neutral and non-polar, with valine, which is neutral and non-polar, at codon 40 of the KLB protein (p.Ile40Val). This variant is not present in population databases (gnomAD no frequency). This variant has not been reported in the literature in individuals affected with KLB-related conditions. Algorithms developed to predict the effect of missense changes on protein structure and function output the following: SIFT: "Not Available"; PolyPhen-2: "Benign"; Align-GVGD: "Not Available". The valine amino acid residue is found in multiple mammalian species, which suggests that this missense change does not adversely affect protein function. In summary, the available evidence is currently insufficient to determine the role of this variant in disease. Therefore, it has been classified as a Variant of Uncertain Significance.

NM_175737.4(KLB):c.118A>G (p.Ile40Val)

Gene: KLB (klotho beta; plus strand). Cytogenetic location: 4p14.
Variant type: single nucleotide variant.
Coding change: c.118A>G on transcript NM_175737.4 (MANE Select); coding-DNA position 118, A replaced by G.
Protein change: p.Ile40Val; replaces isoleucine 40 with valine.
Molecular consequence: missense variant.
Genome position (GRCh38, 1-based): chr4:39,407,067, A>G. VCF-style: chr4-39407067-A-G. GRCh37 (hg19) VCF-style: chr4-39408687-A-G.
Other names: short protein forms I40V.
Identifiers: ClinVar variation 2864590 (VCV002864590.3), dbSNP rs1742744142, ClinGen allele CA356646642.